The following is an entry in ClinVar:

NM_020964.3(EPG5):c.340G>A (p.Gly114Arg)

Gene: EPG5 (ectopic P-granules 5 autophagy tethering factor; minus strand). Cytogenetic location: 18q21.1.
Variant type: single nucleotide variant.
Coding change: c.340G>A on transcript NM_020964.3 (MANE Select); coding-DNA position 340, G replaced by A.
Protein change: p.Gly114Arg; replaces glycine 114 with arginine.
Molecular consequence: missense variant.
Genome position (GRCh38, 1-based): chr18:45,955,062, C>T on the plus strand (G>A on the coding strand, the complement: EPG5 is on the minus strand). VCF-style: chr18-45955062-C-T. GRCh37 (hg19) VCF-style: chr18-43535028-C-T.
Other names: short protein forms G114R.
Identifiers: ClinVar variation 955462 (VCV000955462.13), dbSNP rs375017695, ClinGen allele CA8949967.

ClinVar aggregate classification (germline): Uncertain significance. Review status: criteria provided, multiple submitters, no conflicts (2 of 4 stars). 3 submissions from 3 submitters: Uncertain significance (3). Last evaluated 2025-01-21.

Conditions:
Vici syndrome (VICIS). Identifiers: Orphanet 1493, MedGen C1855772, MONDO:0009452, OMIM 242840.
Inborn genetic diseases. Identifiers: MedGen C0950123, MeSH D030342.

Allele frequency attached by ClinVar (database versions not stated): gnomAD exomes 0.00001 and 0.00004; ExAC 0.00005; ESP Exome Variant Server 0.00008; TOPMed 0.00026.
gnomAD v4.1: 43 of 1,614,012 alleles (0.0027%); highest among the groups gnomAD compares: African/African-American, 0.049%; no homozygotes.

Submissions (3):

Ambry Genetics
Classification: Uncertain significance for Inborn genetic diseases. Last evaluated: 2025-01-21. Review status: criteria provided, single submitter. Criteria: Ambry Variant Classification Scheme 2023. Collection method: clinical testing. Allele origin: germline.

Labcorp Genetics (formerly Invitae), Labcorp
Classification: Uncertain significance for Vici syndrome. Last evaluated: 2024-11-04. Review status: criteria provided, single submitter. Criteria: Invitae Variant Classification Sherloc (09022015). Collection method: clinical testing. Allele origin: germline.
Comment: This sequence change replaces glycine, which is neutral and non-polar, with arginine, which is basic and polar, at codon 114 of the EPG5 protein (p.Gly114Arg). This variant is present in population databases (rs375017695, gnomAD 0.06%). This variant has not been reported in the literature in individuals affected with EPG5-related conditions. ClinVar contains an entry for this variant (Variation ID: 955462). An algorithm developed to predict the effect of missense changes on protein structure and function outputs the following: PolyPhen-2: "Benign". The arginine amino acid residue is found in multiple mammalian species, which suggests that this missense change does not adversely affect protein function. In summary, the available evidence is currently insufficient to determine the role of this variant in disease. Therefore, it has been classified as a Variant of Uncertain Significance.

GeneDx
Classification: Uncertain significance. Last evaluated: 2024-08-19. Review status: criteria provided, single submitter. Criteria: GeneDx Variant Classification Process June 2021. Collection method: clinical testing. Allele origin: germline. Affected: yes.
Comment: In silico analysis indicates that this missense variant does not alter protein structure/function; Has not been previously published as pathogenic or benign to our knowledge